The following is an entry in ClinVar:

NM_000245.4(MET):c.665C>G (p.Thr222Arg)

Gene: MET (MET proto-oncogene, receptor tyrosine kinase; plus strand). Cytogenetic location: 7q31.2.
Variant type: single nucleotide variant.
Coding change: c.665C>G on transcript NM_000245.4 (MANE Select); coding-DNA position 665, C replaced by G.
Protein change: p.Thr222Arg; replaces threonine 222 with arginine.
Molecular consequence: missense variant. On other transcripts: intron variant (1).
Genome position (GRCh38, 1-based): chr7:116,699,749, C>G. VCF-style: chr7-116699749-C-G. GRCh37 (hg19) VCF-style: chr7-116339803-C-G.
Other names: c.665C>G, p.Thr222Arg (NM_001127500.3, NM_001324401.3); c.-91+27172C>G (NM_001324402.2); short protein forms T222R.
Identifiers: ClinVar variation 3003190 (VCV003003190.5), dbSNP rs200776610, ClinGen allele CA368969574.

ClinVar aggregate classification (germline): Uncertain significance. Review status: criteria provided, multiple submitters, no conflicts (2 of 4 stars). 2 submissions from 2 submitters: Uncertain significance (2). Last evaluated 2025-04-14.

Conditions:
Hereditary cancer-predisposing syndrome. Also called: Neoplastic Syndromes, Hereditary; Tumor predisposition; Hereditary Cancer Syndrome; Hereditary neoplastic syndrome. Identifiers: Orphanet 140162, MedGen C0027672, MeSH D009386, MONDO:0015356.
Renal cell carcinoma. Identifiers: Orphanet 217071, MedGen C0007134, MeSH D002292, MONDO:0005086, HP:0005584.
Hereditary papillary renal cell carcinoma. Identifiers: Orphanet 47044, MedGen C0879257, MONDO:0003789.

Submissions (2):

Labcorp Genetics (formerly Invitae), Labcorp
Classification: Uncertain significance for Renal cell carcinoma. Last evaluated: 2025-04-14. Review status: criteria provided, single submitter. Criteria: Invitae Variant Classification Sherloc (09022015). Collection method: clinical testing. Allele origin: germline.
Comment: This sequence change replaces threonine, which is neutral and polar, with arginine, which is basic and polar, at codon 222 of the MET protein (p.Thr222Arg). This variant is not present in population databases (gnomAD no frequency). This variant has not been reported in the literature in individuals affected with MET-related conditions. ClinVar contains an entry for this variant (Variation ID: 3003190). Invitae Evidence Modeling of protein sequence and biophysical properties (such as structural, functional, and spatial information, amino acid conservation, physicochemical variation, residue mobility, and thermodynamic stability) indicates that this missense variant is not expected to disrupt MET protein function with a negative predictive value of 80%. In summary, the available evidence is currently insufficient to determine the role of this variant in disease. Therefore, it has been classified as a Variant of Uncertain Significance.

Ambry Genetics
Classification: Uncertain significance for Hereditary cancer-predisposing syndrome. Last evaluated: 2025-01-27. Review status: criteria provided, single submitter. Criteria: Ambry Variant Classification Scheme 2023. Collection method: clinical testing. Allele origin: germline.
Comment: The p.T222R variant (also known as c.665C>G), located in coding exon 1 of the MET gene, results from a C to G substitution at nucleotide position 665. The threonine at codon 222 is replaced by arginine, an amino acid with similar properties. This amino acid position is conserved. In addition, the in silico prediction for this alteration is inconclusive. Based on the available evidence, the clinical significance of this variant remains unclear.